The following is an entry in ClinVar:

ClinVar aggregate classification (germline): Uncertain significance. Review status: criteria provided, multiple submitters, no conflicts (2 of 4 stars). 9 submissions from 9 submitters: Uncertain significance (7). 2 of the submissions do not count toward it. Last evaluated 2026-01-20.

Conditions:
Hypertrophic cardiomyopathy 6. Identifiers: MedGen C1833236, MONDO:0010946, OMIM 600858.
Lethal congenital glycogen storage disease of heart. Also called: GLYCOGEN STORAGE DISEASE OF HEART; PHOSPHORYLASE KINASE DEFICIENCY OF HEART. Identifiers: Orphanet 439854, MedGen C1849813, MONDO:0009867, OMIM 261740.
Wolff-Parkinson-White pattern. Also called: Auriculoventricular accessory pathway syndrome; False bundle branch block syndrome; Anomalous ventricular excitation syndrome; WPW SYNDROME. Identifiers: MedGen C0043202, MONDO:0008685, OMIM 194200, HP:0001716.
Cardiomyopathy (CMYO). Also called: Cardiomyopathies. Identifiers: Orphanet 167848, MedGen C0878544, MONDO:0004994, HP:0001638. Inheritance: Various modes of inheritance.
Cardiovascular phenotype. Identifiers: MedGen CN230736.
Hypertrophic cardiomyopathy. Also called: HYPERTROPHIC MYOCARDIOPATHY. Identifiers: Orphanet 217569, MedGen C0007194, MeSH D002312, MONDO:0005045, HP:0001639.

Allele frequency attached by ClinVar (database versions not stated): gnomAD 0.00001; TOPMed 0.00001; ExAC 0.00003; gnomAD exomes 0.00003 and 0.00005; 1000 Genomes Project 30x 0.00016; 1000 Genomes Project 0.00020.
gnomAD v4.1: 70 of 1,614,150 alleles (0.0043%); highest among the groups gnomAD compares: Middle Eastern, 0.099%; 2 homozygotes.

Submissions (9):

Labcorp Genetics (formerly Invitae), Labcorp
Classification: Uncertain significance for Lethal congenital glycogen storage disease of heart. Last evaluated: 2026-01-20. Review status: criteria provided, single submitter. Criteria: Invitae Variant Classification Sherloc (09022015). Collection method: clinical testing. Allele origin: germline.
Comment: This sequence change replaces isoleucine, which is neutral and non-polar, with asparagine, which is neutral and polar, at codon 492 of the PRKAG2 protein (p.Ile492Asn). This variant is present in population databases (rs186114650, gnomAD 0.005%). This missense change has been observed in individual(s) with acute heart failure, arrhythmogenic cardiomyopathy, and/or hypertrophic cardiomyopathy (PMID: 27532257, 30847666, 33762593). ClinVar contains an entry for this variant (Variation ID: 222771). Invitae Evidence Modeling of protein sequence and biophysical properties (such as structural, functional, and spatial information, amino acid conservation, physicochemical variation, residue mobility, and thermodynamic stability) indicates that this missense variant is not expected to disrupt PRKAG2 protein function with a negative predictive value of 95%. In summary, the available evidence is currently insufficient to determine the role of this variant in disease. Therefore, it has been classified as a Variant of Uncertain Significance.

Ambry Genetics
Classification: Uncertain significance for Cardiovascular phenotype. Last evaluated: 2025-07-17. Review status: criteria provided, single submitter. Criteria: Ambry Variant Classification Scheme 2023. Collection method: clinical testing. Allele origin: germline.
Comment: The p.I492N variant (also known as c.1475T>A), located in coding exon 14 of the PRKAG2 gene, results from a T to A substitution at nucleotide position 1475. The isoleucine at codon 492 is replaced by asparagine, an amino acid with dissimilar properties. This alteration has been reported in cardiomyopathy cohorts and an intrauterine death cohort; however, clinical details were limited and additional cardiac variants were detected in some cases (Walsh R et al. Genet Med, 2017 Feb;19:192-203; van Lint FHM et al. Neth Heart J, 2019 Jun;27:304-309; Muin DA et al. Sci Rep, 2021 Mar;11:6737). This amino acid position is highly conserved in available vertebrate species. In addition, this alteration is predicted to be deleterious by in silico analysis. Since supporting evidence is limited at this time, the clinical significance of this alteration remains unclear.

Color Diagnostics, LLC DBA Color Health
Classification: Uncertain significance for Cardiomyopathy. Last evaluated: 2024-03-08. Review status: criteria provided, single submitter. Criteria: ACMG Guidelines, 2015. Collection method: clinical testing. Allele origin: germline.
Comment: This missense variant replaces isoleucine with asparagine at codon 492 of the PRKAG2 protein. Computational prediction tools indicate that this variant has a deleterious impact on protein structure and function. To our knowledge, functional studies have not been reported for this variant. This variant has been reported in one individual affected with hypertrophic cardiomyopathy (PMID: 27532257), in one individual affected with arrhythmogenic right ventricular cardiomyopathy (PMID: 30847666), in one fetus affected with unexplained intrauterine fetal death (PMID: 33762593), and in one individual affected with sudden unexplained death (PMID: 33895855). This variant has been identified in 8/251486 chromosomes in the general population by the Genome Aggregation Database (gnomAD). The available evidence is insufficient to determine the role of this variant in disease conclusively. Therefore, this variant is classified as a Variant of Uncertain Significance.

All of Us Research Program, National Institutes of Health
Classification: Uncertain significance for Hypertrophic cardiomyopathy. Last evaluated: 2024-01-03. Review status: criteria provided, single submitter. Criteria: ACMG Guidelines, 2015. Collection method: clinical testing. Allele origin: germline. Inheritance: Autosomal dominant inheritance. Observed: 11 variant alleles, 11 heterozygotes.
Comment: This missense variant replaces isoleucine with asparagine at codon 492 of the PRKAG2 protein. Computational prediction suggests that this variant may have deleterious impact on protein structure and function (internally defined REVEL score threshold >= 0.7, PMID: 27666373). To our knowledge, functional studies have not been reported for this variant. This variant has been reported in an individual affected with hypertrophic cardiomyopathy (PMID: 27532257), in a fetus affected with unexplained intrauterine fetal death (PMID: 33762593), and in an individual affected with sudden unexplained death (PMID: 33895855). This variant has been identified in 8/251486 chromosomes in the general population by the Genome Aggregation Database (gnomAD). The available evidence is insufficient to determine the role of this variant in disease conclusively. Therefore, this variant is classified as a Variant of Uncertain Significance.

This study involves interpretation of variants in research participants for the purpose of population health screening. Participant phenotype was not available at the time of variant classification. Additional details can be found in publication PMID: 35346344, PMCID: PMC8962531

Blueprint Genetics
Classification: Uncertain significance. Last evaluated: 2023-12-26. Review status: criteria provided, single submitter. Criteria: ACMG Guidelines, 2015. Collection method: clinical testing. Allele origin: germline.

GeneDx
Classification: Uncertain significance. Last evaluated: 2023-05-30. Review status: criteria provided, single submitter. Criteria: GeneDx Variant Classification Process June 2021. Collection method: clinical testing. Allele origin: germline. Affected: yes.
Comment: Reported in one patient with hypertrophic cardiomyopathy in the published literature, however, detailed clinical information was not provided (Walsh et al., 2017); In silico analysis supports that this missense variant has a deleterious effect on protein structure/function; This variant is associated with the following publications: (PMID: 27532257)

Fulgent Genetics
Classification: Uncertain significance for Wolff-Parkinson-White pattern; Lethal congenital glycogen storage disease of heart; Hypertrophic cardiomyopathy 6. Last evaluated: 2021-09-09. Review status: criteria provided, single submitter. Criteria: ACMG Guidelines, 2015. Collection method: clinical testing. Allele origin: unknown.

Clinical Genetics DNA and cytogenetics Diagnostics Lab, Erasmus MC, Erasmus Medical Center
Classification: Uncertain significance. Review status: no assertion criteria provided. Collection method: clinical testing. Allele origin: germline. Affected: yes. Study: VKGL Data-share Consensus. Not counted in ClinVar's aggregate classification.

Clinical Genetics, Academic Medical Center
Classification: Uncertain significance. Review status: no assertion criteria provided. Collection method: clinical testing. Allele origin: germline. Affected: yes. Study: VKGL Data-share Consensus. Not counted in ClinVar's aggregate classification.

Literature cited by the submitters: PubMed 27532257 (cited by 4 submitters); PubMed 30847666 (cited by 3 submitters); PubMed 33762593 (cited by 4 submitters); PubMed 33895855 (cited by Color Diagnostics, LLC DBA Color Health and All of Us Research Program, National Institutes of Health).

NM_016203.4(PRKAG2):c.1475T>A (p.Ile492Asn)

Gene: PRKAG2 (protein kinase AMP-activated non-catalytic subunit gamma 2; minus strand). Cytogenetic location: 7q36.1.
Variant type: single nucleotide variant.
Coding change: c.1475T>A on transcript NM_016203.4 (MANE Select); coding-DNA position 1475, T replaced by A.
Protein change: p.Ile492Asn; replaces isoleucine 492 with asparagine.
Molecular consequence: missense variant.
Genome position (GRCh38, 1-based): chr7:151,564,187, A>T on the plus strand (T>A on the coding strand, the complement: PRKAG2 is on the minus strand). VCF-style: chr7-151564187-A-T. GRCh37 (hg19) VCF-style: chr7-151261273-A-T.
Other names: c.1343T>A, p.Ile448Asn (NM_001040633.2); c.1100T>A, p.Ile367Asn (NM_001304527.2); c.752T>A, p.Ile251Asn (NM_001304531.2, NM_024429.2); c.1103T>A, p.Ile368Asn (NM_001363698.2); short protein forms I492N, I448N, I367N, I368N, I251N.
Identifiers: ClinVar variation 222771 (VCV000222771.23), dbSNP rs186114650, ClinGen allele CA055213.